The following is an entry in ClinVar:

ClinVar aggregate classification (germline): Uncertain significance (1 of 4 stars; one submission).

Conditions:
Immunodeficiency 51 (IMD51). Also called: CANDIDIASIS, FAMILIAL, 5. Identifiers: Orphanet 1334, MedGen C4310803, MONDO:0013500, OMIM 613953.

Submission:

Labcorp Genetics (formerly Invitae), Labcorp
Classification: Uncertain significance for Immunodeficiency 51. Last evaluated: 2021-10-22. Review status: criteria provided, single submitter. Criteria: Invitae Variant Classification Sherloc (09022015). Collection method: clinical testing. Allele origin: germline.
Comment: This sequence change replaces threonine, a(n) neutral and polar amino acid, with isoleucine, a(n) neutral and non-polar amino acid, at codon 235 of the IL17RA protein (p.Thr235Ile). This variant is not present in population databases (gnomAD no frequency). This variant has not been reported in the literature in individuals affected with IL17RA-related conditions. Algorithms developed to predict the effect of missense changes on protein structure and function are either unavailable or do not agree on the potential impact of this missense change (SIFT: "Deleterious"; PolyPhen-2: "Benign"; Align-GVGD: "Class C0"). In summary, the available evidence is currently insufficient to determine the role of this variant in disease. Therefore, it has been classified as a Variant of Uncertain Significance.

NM_014339.7(IL17RA):c.704C>T (p.Thr235Ile)

Gene: IL17RA (interleukin 17 receptor A; plus strand). Cytogenetic location: 22q11.1.
Variant type: single nucleotide variant.
Coding change: c.704C>T on transcript NM_014339.7 (MANE Select); coding-DNA position 704, C replaced by T.
Protein change: p.Thr235Ile; replaces threonine 235 with isoleucine.
Molecular consequence: missense variant.
Genome position (GRCh38, 1-based): chr22:17,102,244, C>T. VCF-style: chr22-17102244-C-T. GRCh37 (hg19) VCF-style: chr22-17583134-C-T.
Other names: c.704C>T, p.Thr235Ile (NM_001289905.2); short protein forms T235I.
Identifiers: ClinVar variation 1476125 (VCV001476125.6), dbSNP rs2123802746, ClinGen allele CA410213119.